The following is an entry in ClinVar:

ClinVar aggregate classification (germline): Uncertain significance (1 of 4 stars; one submission).

Submission:

Cytogenetics Laboratory, University of Washington
Classification: Uncertain significance. Last evaluated: 2015-06-29. Review status: criteria provided, single submitter. Criteria: UW Cytogenetics and Genomics Laboratory Policy on CNV Interpretation (5/6/2015). Collection method: clinical testing. Allele origin: unknown. Affected: yes. Observed: 1 variant allele.

Literature cited by the submitters: PubMed 23551878.

GRCh37/hg19 19p13.3(chr19:823554-1206859)x3

Genes: ABCA7 (ATP binding cassette subfamily A member 7; plus strand), ARHGAP45 (Rho GTPase activating protein 45; plus strand), ARID3A (AT-rich interaction domain 3A; plus strand), AZU1 (azurocidin 1; plus strand), CFD (complement factor D; plus strand) and 13 more. Cytogenetic location: 19p13.3.
Variant type: copy number gain.
Change: copy number 3 (three copies instead of two) of chr19:823,554-1,206,859 (383.3 kb, GRCh37 coordinates, 1-based), cytogenetic band 19p13.3.
Identifiers: ClinVar variation 219015 (VCV000219015.5).